The following is an entry in ClinVar:

NM_001006658.3(CR2):c.909C>G (p.Tyr303Ter)

Genes: CR2 (complement C3d receptor 2; plus strand), LOC126805994 (BRD4-independent group 4 enhancer GRCh37_chr1:207642622-207643821; plus strand). Cytogenetic location: 1q32.2.
Variant type: single nucleotide variant.
Coding change: c.909C>G on transcript NM_001006658.3 (MANE Select); coding-DNA position 909, C replaced by G.
Protein change: p.Tyr303Ter; replaces tyrosine 303 with a stop codon.
Molecular consequence: nonsense.
Genome position (GRCh38, 1-based): chr1:207,469,786, C>G. VCF-style: chr1-207469786-C-G. GRCh37 (hg19) VCF-style: chr1-207643131-C-G.
Other names: c.909C>G, p.Tyr303Ter (NM_001877.5); short protein forms Y303*.
Identifiers: ClinVar variation 3616630 (VCV003616630.2).

ClinVar aggregate classification (germline): Pathogenic (1 of 4 stars; one submission).

Conditions:
Immunodeficiency, common variable, 7. Identifiers: Orphanet 1572, Orphanet 696894, MedGen C3542922, MONDO:0013862, OMIM 614699.

gnomAD v4.1: 1 of 1,613,956 alleles (0.000062%); highest among the groups gnomAD compares: Admixed American, 0.0017%; no homozygotes.

Submission:

Labcorp Genetics (formerly Invitae), Labcorp
Classification: Pathogenic for Immunodeficiency, common variable, 7. Last evaluated: 2025-10-11. Review status: criteria provided, single submitter. Criteria: Invitae Variant Classification Sherloc (09022015). Collection method: clinical testing. Allele origin: germline.
Comment: This sequence change creates a premature translational stop signal (p.Tyr303*) in the CR2 gene. It is expected to result in an absent or disrupted protein product. Loss-of-function variants in CR2 are known to be pathogenic (PMID: 26325596, 28499783). This variant is present in population databases (no rsID available, gnomAD 0.003%). This variant has not been reported in the literature in individuals affected with CR2-related conditions. ClinVar contains an entry for this variant (Variation ID: 3616630). Algorithms developed to predict the effect of sequence changes on RNA splicing suggest that this variant may disrupt the consensus splice site. For these reasons, this variant has been classified as Pathogenic.

Literature cited by the submitters: PubMed 26325596; PubMed 28499783.